The following is an entry in ClinVar:

NM_022124.6(CDH23):c.8507T>C (p.Leu2836Pro)

Gene: CDH23 (cadherin related 23; plus strand). Cytogenetic location: 10q22.1.
Variant type: single nucleotide variant.
Coding change: c.8507T>C on transcript NM_022124.6 (MANE Select); coding-DNA position 8507, T replaced by C.
Protein change: p.Leu2836Pro; replaces leucine 2836 with proline.
Molecular consequence: missense variant.
Genome position (GRCh38, 1-based): chr10:71,807,714, T>C. VCF-style: chr10-71807714-T-C. GRCh37 (hg19) VCF-style: chr10-73567471-T-C.
Other names: c.1787T>C, p.Leu596Pro (NM_001171933.1, NM_001171934.1); short protein forms L2836P, L596P.
Identifiers: ClinVar variation 1503014 (VCV001503014.3), dbSNP rs1388231330, ClinGen allele CA377131688.

ClinVar aggregate classification (germline): Uncertain significance (1 of 4 stars; one submission).

Allele frequency attached by ClinVar (database versions not stated): gnomAD exomes below 0.00001.
gnomAD v4.1: 1 of 1,611,910 alleles (0.000062%); highest among the groups gnomAD compares: African/African-American, 0.0013%; no homozygotes.

Submission:

Labcorp Genetics (formerly Invitae), Labcorp
Classification: Uncertain significance. Last evaluated: 2021-11-11. Review status: criteria provided, single submitter. Criteria: Invitae Variant Classification Sherloc (09022015). Collection method: clinical testing. Allele origin: germline.
Comment: This sequence change replaces leucine, which is neutral and non-polar, with proline, which is neutral and non-polar, at codon 2836 of the CDH23 protein (p.Leu2836Pro). This variant is not present in population databases (gnomAD no frequency). This variant has not been reported in the literature in individuals affected with CDH23-related conditions. Algorithms developed to predict the effect of missense changes on protein structure and function are either unavailable or do not agree on the potential impact of this missense change (SIFT: "Deleterious"; PolyPhen-2: "Not Available"; Align-GVGD: "Class C0"). Algorithms developed to predict the effect of sequence changes on RNA splicing suggest that this variant may create or strengthen a splice site. In summary, the available evidence is currently insufficient to determine the role of this variant in disease. Therefore, it has been classified as a Variant of Uncertain Significance.